The following is an entry in ClinVar:

ClinVar aggregate classification (germline): Likely benign. Review status: criteria provided, multiple submitters, no conflicts (2 of 4 stars). 2 submissions from 2 submitters: Likely benign (2). Last evaluated 2026-04-13.

Conditions:
VIPAS39-related disorder. Also called: VIPAS39-related condition.

Allele frequency attached by ClinVar (database versions not stated): ExAC 0.00001; gnomAD exomes 0.00001; gnomAD 0.00003; TOPMed 0.00009; ESP Exome Variant Server 0.00015.
gnomAD v4.1: 15 of 1,613,800 alleles (0.00093%); highest among the groups gnomAD compares: African/African-American, 0.011%; no homozygotes.

Submissions (2):

PreventionGenetics, part of Exact Sciences
Classification: Likely benign for VIPAS39-related condition. Last evaluated: 2026-04-13. Review status: criteria provided, single submitter. Criteria: ACMG Guidelines, 2015. Collection method: clinical testing. Allele origin: germline.
Comment: This variant is classified as likely benign based on ACMG/AMP sequence variant interpretation guidelines (Richards et al. 2015 PMID: 25741868, with internal and published modifications).

Labcorp Genetics (formerly Invitae), Labcorp
Classification: Likely benign. Last evaluated: 2023-09-12. Review status: criteria provided, single submitter. Criteria: Invitae Variant Classification Sherloc (09022015). Collection method: clinical testing. Allele origin: germline.

NM_001193315.2(VIPAS39):c.1089+9A>C

Gene: VIPAS39 (VPS33B interacting protein, apical-basolateral polarity regulator, spe-39 homolog; minus strand). Cytogenetic location: 14q24.3.
Variant type: single nucleotide variant.
Coding change: c.1089+9A>C on transcript NM_001193315.2 (MANE Select); 9 bases into the intron after coding-DNA position 1089, A replaced by C.
Molecular consequence: intron variant.
Genome position (GRCh38, 1-based): chr14:77,434,253, T>G on the plus strand (A>C on the coding strand, the complement: VIPAS39 is on the minus strand). VCF-style: chr14-77434253-T-G. GRCh37 (hg19) VCF-style: chr14-77900596-T-G.
Other names: c.849+9A>C (NM_001400337.1); c.942+9A>C (NM_001193316.2, NM_001400324.1, NM_001400325.1); c.996+9A>C (NM_001400333.1, NM_001400334.1); c.1056+9A>C (NM_001400327.1); c.987+9A>C (NM_001400338.1); c.804+9A>C (NM_001400339.1); c.954+9A>C (NM_001400336.1); c.1089+9A>C (NM_001400330.1, NM_001400335.1, NM_001400332.1 and 6 more transcripts).
Identifiers: ClinVar variation 2973930 (VCV002973930.4), dbSNP rs377726527, ClinGen allele CA7287837.